The following is an entry in ClinVar:

NM_015557.3(CHD5):c.1230G>C (p.Glu410Asp)

Gene: CHD5 (chromodomain helicase DNA binding protein 5; minus strand). Cytogenetic location: 1p36.31.
Variant type: single nucleotide variant.
Coding change: c.1230G>C on transcript NM_015557.3 (MANE Select); coding-DNA position 1230, G replaced by C.
Protein change: p.Glu410Asp; replaces glutamic acid 410 with aspartic acid.
Molecular consequence: missense variant.
Genome position (GRCh38, 1-based): chr1:6,149,007, C>G on the plus strand (G>C on the coding strand, the complement: CHD5 is on the minus strand). VCF-style: chr1-6149007-C-G. GRCh37 (hg19) VCF-style: chr1-6209067-C-G.
Other names: short protein forms E410D.
Identifiers: ClinVar variation 5018629 (VCV005018629.2).

ClinVar aggregate classification (germline): Uncertain significance (1 of 4 stars; one submission).

Conditions:
Parenti-mignot neurodevelopmental syndrome. Identifiers: MedGen C5676984, MONDO:0859249, OMIM 619873.

Submission:

Juno Genomics, Hangzhou Juno Genomics, Inc
Classification: Uncertain significance for Parenti-mignot neurodevelopmental syndrome. Review status: criteria provided, single submitter. Criteria: ACMG Guidelines, 2015. Collection method: clinical testing. Allele origin: germline.
Comment: Absent from controls (or at extremely low frequency if recessive) in Genome Aggregation Database.;Missense variant in a gene that has a low rate of benign missense variation.